The following is an entry in ClinVar:

ClinVar aggregate classification (germline): Benign/Likely benign. Review status: criteria provided, multiple submitters, no conflicts (2 of 4 stars). 7 submissions from 7 submitters: Benign (4); Likely benign (1). 2 of the submissions do not count toward it. Last evaluated 2026-02-04.

Allele frequency attached by ClinVar (database versions not stated): gnomAD exomes 0.06832 and 0.08123; ExAC 0.07068; 1000 Genomes Project 0.07308; 1000 Genomes Project 30x 0.07651; TOPMed 0.10175; gnomAD 0.10288 and 0.10820; ESP Exome Variant Server 0.10809.
gnomAD v4.1: 133,813 of 1,614,152 alleles (8.3%); highest among the groups gnomAD compares: African/African-American, 18%; 6,634 homozygotes.

Submissions (7):

Labcorp Genetics (formerly Invitae), Labcorp
Classification: Benign. Last evaluated: 2026-02-04. Review status: criteria provided, single submitter. Criteria: Invitae Variant Classification Sherloc (09022015). Collection method: clinical testing. Allele origin: germline.

Blueprint Genetics
Classification: Likely benign. Last evaluated: 2024-11-27. Review status: criteria provided, single submitter. Criteria: ACMG Guidelines, 2015. Collection method: clinical testing. Allele origin: germline.

Women's Health and Genetics/Laboratory Corporation of America, LabCorp
Classification: Benign. Last evaluated: 2019-08-12. Review status: criteria provided, single submitter. Criteria: LabCorp Variant Classification Summary - May 2015. Collection method: clinical testing. Allele origin: germline.

GeneDx
Classification: Benign. Last evaluated: 2016-09-30. Review status: criteria provided, single submitter. Criteria: GeneDx Variant Classification (06012015). Collection method: clinical testing. Allele origin: germline. Affected: yes.
Comment: This variant is considered likely benign or benign based on one or more of the following criteria: it is a conservative change, it occurs at a poorly conserved position in the protein, it is predicted to be benign by multiple in silico algorithms, and/or has population frequency not consistent with disease.

Breakthrough Genomics
Classification: Benign. Review status: criteria provided, single submitter. Criteria: ACMG Guidelines, 2015. Collection method: not provided. Allele origin: germline. Inheritance: Autosomal dominant inheritance. Affected: yes.

Clinical Genetics, Academic Medical Center
Classification: Benign. Review status: no assertion criteria provided. Collection method: clinical testing. Allele origin: germline. Affected: yes. Study: VKGL Data-share Consensus. Not counted in ClinVar's aggregate classification.

Joint Genome Diagnostic Labs from Nijmegen and Maastricht, Radboudumc and MUMC+
Classification: Benign. Review status: no assertion criteria provided. Collection method: clinical testing. Allele origin: germline. Affected: yes. Study: VKGL Data-share Consensus. Not counted in ClinVar's aggregate classification.

NM_144670.6(A2ML1):c.3843T>C (p.Val1281=)

Gene: A2ML1 (alpha-2-macroglobulin like 1; plus strand). Cytogenetic location: 12p13.31.
Variant type: single nucleotide variant.
Coding change: c.3843T>C on transcript NM_144670.6 (MANE Select); coding-DNA position 3843, T replaced by C.
Protein change: p.Val1281=; no amino-acid change (valine 1281 retained).
Molecular consequence: synonymous variant.
Genome position (GRCh38, 1-based): chr12:8,867,967, T>C. VCF-style: chr12-8867967-T-C. GRCh37 (hg19) VCF-style: chr12-9020563-T-C.
Other names: c.2370T>C, p.Val790= (NM_001282424.3).
Identifiers: ClinVar variation 384726 (VCV000384726.17), dbSNP rs61749073, ClinGen allele CA6436494.